The following is an entry in ClinVar:

ClinVar aggregate classification (germline): Pathogenic (1 of 4 stars; one submission).

Submission:

GeneDx
Classification: Pathogenic. Last evaluated: 2022-05-27. Review status: criteria provided, single submitter. Criteria: GeneDx Variant Classification Process June 2021. Collection method: clinical testing. Allele origin: germline. Affected: yes.
Comment: Frameshift variant predicted to result in protein truncation or nonsense mediated decay in a gene for which loss of function is a known mechanism of disease; Not observed at significant frequency in large population cohorts (gnomAD); Has not been previously published as pathogenic or benign to our knowledge

NM_197968.4(ZMYM2):c.640_641dup (p.Thr215fs)

Gene: ZMYM2 (zinc finger MYM-type containing 2; plus strand). Cytogenetic location: 13q12.11.
Variant type: Duplication.
Coding change: c.640_641dup on transcript NM_197968.4 (MANE Select); coding-DNA positions 640 to 641, 2 bases duplicated (AT; older notation c.640_641dupAT).
Protein change: p.Thr215fs; shifts the reading frame from threonine 215.
Molecular consequence: frameshift variant. On other transcripts: non-coding transcript variant (1), intron variant (2).
Genome position (GRCh38, 1-based): chr13:19,993,712-19,993,713, AT duplicated. VCF-style (leftmost placement, unchanged base first): chr13-19993711-G-GAT. GRCh37 (hg19) VCF-style: chr13-20567851-G-GAT.
Other names: c.640_641dup, p.Thr215fs (NM_001190964.4, NM_001190965.4, NM_001353157.2 and 5 more transcripts); c.493-114_493-113dup (NM_001353163.2); c.559-114_559-113dup (NM_001353161.3); short protein forms T215fs.
Identifiers: ClinVar variation 1800812 (VCV001800812.1), dbSNP rs2501908160, ClinGen allele CA2580086781.